The following is an entry in ClinVar:

ClinVar aggregate classification (germline): Uncertain significance (1 of 4 stars; one submission).

gnomAD v4.1: 20 of 1,613,726 alleles (0.0012%); highest among the groups gnomAD compares: South Asian, 0.02%; 1 homozygote.

Submission:

GeneDx
Classification: Uncertain significance. Last evaluated: 2025-05-28. Review status: criteria provided, single submitter. Criteria: GeneDx Variant Classification Process June 2021. Collection method: clinical testing. Allele origin: germline. Affected: yes.
Comment: In silico analysis supports that this missense variant has a deleterious effect on protein structure/function; Has not been previously published as pathogenic or benign to our knowledge

NM_024757.5(EHMT1):c.2936C>G (p.Ala979Gly)

Gene: EHMT1 (euchromatic histone lysine methyltransferase 1; plus strand). Cytogenetic location: 9q34.3.
Variant type: single nucleotide variant.
Coding change: c.2936C>G on transcript NM_024757.5 (MANE Select); coding-DNA position 2936, C replaced by G.
Protein change: p.Ala979Gly; replaces alanine 979 with glycine.
Molecular consequence: missense variant.
Genome position (GRCh38, 1-based): chr9:137,813,074, C>G. VCF-style: chr9-137813074-C-G. GRCh37 (hg19) VCF-style: chr9-140707526-C-G.
Other names: c.2915C>G, p.Ala972Gly (NM_001354263.2); short protein forms A972G, A979G.
Identifiers: ClinVar variation 4532460 (VCV004532460.1).
Genomic context (GRCh38, chr9:137,813,074, plus strand): 5'-TTTCTCGGGATTCAGATGTCACCTTAAAGAACAAGGAAGGAGAGACGCCCCTGCAGTGTG[C>G]GAGCCTCAACTCTCAGGTGTGGAGCGCTCTGCAGATGAGCAAGGCTCTGCAGGACTCGGC-3'
Protein context (NP_079033.4, residues 969-989): NKEGETPLQC[Ala979Gly]SLNSQVWSAL